The following is an entry in ClinVar:

NM_001009944.3(PKD1):c.11359_11360dup (p.Ser3787fs)

Genes: PKD1 (polycystin 1, transient receptor potential channel interacting; minus strand), PKD1-AS1 (PKD1 antisense RNA 1; plus strand). Cytogenetic location: 16p13.3.
Variant type: Microsatellite.
Coding change: c.11359_11360dup on transcript NM_001009944.3 (MANE Select); coding-DNA positions 11359 to 11360, 2 bases duplicated (AG; older notation c.11359_11360dupAG).
Protein change: p.Ser3787fs; shifts the reading frame from serine 3787.
Molecular consequence: frameshift variant.
Genome position (GRCh38, 1-based): chr16:2,092,098-2,092,099, CT duplicated on the plus strand (AG on the coding strand, the reverse complement: PKD1 is on the minus strand); duplicating any 2 consecutive bases within chr16:2,092,098-2,092,102 gives the same sequence; the c. name uses the placement nearest the transcript's 3' end. VCF-style (leftmost placement, unchanged base first): chr16-2092097-A-ACT. GRCh37 (hg19) VCF-style: chr16-2142098-A-ACT.
Other names: c.11356_11357dup, p.Ser3786fs (NM_000296.4); short protein forms S3786fs, S3787fs.
Identifiers: ClinVar variation 5038129 (VCV005038129.1).
Genomic context (GRCh38, chr16:2,092,097, plus strand): 5'-CTCTGCTCACCCCAGCAGATCCGGCGCTGAATAGGCCCACGTCCCCGAGCCATTGTGAGG[A>ACT]CTCTCCCAGCCAACGTCGTAATCGCTGGTGCTGAAGCCTCCTGCGGCCGAGCACGTGTGG-3'

ClinVar aggregate classification (germline): Pathogenic (1 of 4 stars; one submission).

Conditions:
Polycystic kidney disease, adult type (PKD1). Also called: Polycystic Kidney Disease 1, Autosomal Dominant; POLYCYSTIC KIDNEY DISEASE, ADULT, TYPE I; Polycystic kidney disease 1; Polycystic kidney disease 1, severe; POLYCYSTIC KIDNEY DISEASE 1 WITH OR WITHOUT POLYCYSTIC LIVER DISEASE; Polycystic Kidney, Autosomal Dominant. Identifiers: MedGen C3149841, MONDO:0008263, OMIM 173900.

Submission:

MVZ Medizinische Genetik Mainz
Classification: Pathogenic for Polycystic kidney disease, adult type. Last evaluated: 2026-02-02. Review status: criteria provided, single submitter. Criteria: UK Practice Guidelines For Variant Classification V4 01 2020. Collection method: clinical testing. Allele origin: germline. Inheritance: Autosomal dominant inheritance. Affected: yes. Observed: 1 variant allele.
Comment: ACMG Criteria: PVS1,PM2_SUP,PP4